The following is an entry in ClinVar:

ClinVar aggregate classification (germline): Uncertain significance (1 of 4 stars; one submission).

Conditions:
Coronary artery disorder. Also called: Disorder of coronary artery; Coronary artery disease. Identifiers: MedGen C1956346, MeSH D003324, MONDO:0005010.

Allele frequency attached by ClinVar (database versions not stated): ExAC 0.00001; gnomAD exomes 0.00001; TOPMed 0.00002; 1000 Genomes Project 30x 0.00016.

Submission:

Labcorp Genetics (formerly Invitae), Labcorp
Classification: Uncertain significance. Last evaluated: 2022-06-20. Review status: criteria provided, single submitter. Criteria: Invitae Variant Classification Sherloc (09022015). Collection method: clinical testing. Allele origin: germline.
Comment: This variant is present in population databases (rs756283420, gnomAD 0.003%). This sequence change replaces histidine, which is basic and polar, with tyrosine, which is neutral and polar, at codon 584 of the LRP6 protein (p.His584Tyr). This variant has not been reported in the literature in individuals affected with LRP6-related conditions. In summary, the available evidence is currently insufficient to determine the role of this variant in disease. Therefore, it has been classified as a Variant of Uncertain Significance. Algorithms developed to predict the effect of missense changes on protein structure and function are either unavailable or do not agree on the potential impact of this missense change (SIFT: "Deleterious"; PolyPhen-2: "Benign"; Align-GVGD: "Class C65"). ClinVar contains an entry for this variant (Variation ID: 684469).

NM_002336.3(LRP6):c.1750C>T (p.His584Tyr)

Gene: LRP6 (LDL receptor related protein 6; minus strand). Cytogenetic location: 12p13.2.
Variant type: single nucleotide variant.
Coding change: c.1750C>T on transcript NM_002336.3 (MANE Select); coding-DNA position 1750, C replaced by T.
Protein change: p.His584Tyr; replaces histidine 584 with tyrosine.
Molecular consequence: missense variant.
Genome position (GRCh38, 1-based): chr12:12,165,091, G>A on the plus strand (C>T on the coding strand, the complement: LRP6 is on the minus strand). VCF-style: chr12-12165091-G-A. GRCh37 (hg19) VCF-style: chr12-12318025-G-A.
Other names: short protein forms H584Y.
Identifiers: ClinVar variation 684469 (VCV000684469.8), dbSNP rs756283420, ClinGen allele CA6455605.